The following is an entry in ClinVar:

ClinVar aggregate classification (germline): Uncertain significance (1 of 4 stars; one submission).

Conditions:
Neuropathy, hereditary sensory and autonomic, type 1C. Also called: HSAN IC; HSN IC. Identifiers: Orphanet 36386, MedGen C3150896, MONDO:0013337, OMIM 613640.

Allele frequency attached by ClinVar (database versions not stated): gnomAD exomes below 0.00001; ExAC 0.00001; gnomAD 0.00001; TOPMed 0.00001.
gnomAD v4.1: 3 of 1,614,082 alleles (0.00019%); highest among the groups gnomAD compares: Non-Finnish European, 0.00025%; no homozygotes.

Submission:

Labcorp Genetics (formerly Invitae), Labcorp
Classification: Uncertain significance for Neuropathy, hereditary sensory and autonomic, type 1C. Last evaluated: 2021-07-21. Review status: criteria provided, single submitter. Criteria: Invitae Variant Classification Sherloc (09022015). Collection method: clinical testing. Allele origin: germline.
Comment: This sequence change replaces asparagine with aspartic acid at codon 60 of the SPTLC2 protein (p.Asn60Asp). The asparagine residue is moderately conserved and there is a small physicochemical difference between asparagine and aspartic acid. This variant is present in population databases (rs758420217, ExAC 0.002%). This variant has not been reported in the literature in individuals affected with SPTLC2-related conditions. Algorithms developed to predict the effect of missense changes on protein structure and function (SIFT, PolyPhen-2, Align-GVGD) all suggest that this variant is likely to be tolerated. In summary, the available evidence is currently insufficient to determine the role of this variant in disease. Therefore, it has been classified as a Variant of Uncertain Significance.

NM_004863.4(SPTLC2):c.178A>G (p.Asn60Asp)

Gene: SPTLC2 (serine palmitoyltransferase long chain base subunit 2; minus strand). Cytogenetic location: 14q24.3.
Variant type: single nucleotide variant.
Coding change: c.178A>G on transcript NM_004863.4 (MANE Select); coding-DNA position 178, A replaced by G.
Protein change: p.Asn60Asp; replaces asparagine 60 with aspartic acid.
Molecular consequence: missense variant.
Genome position (GRCh38, 1-based): chr14:77,597,335, T>C on the plus strand (A>G on the coding strand, the complement: SPTLC2 is on the minus strand). VCF-style: chr14-77597335-T-C. GRCh37 (hg19) VCF-style: chr14-78063678-T-C.
Other names: short protein forms N60D.
Identifiers: ClinVar variation 1522029 (VCV001522029.8), dbSNP rs758420217, ClinGen allele CA7289500.